The following is an entry in ClinVar:

NM_020376.4(PNPLA2):c.1409C>T (p.Ala470Val)

Gene: PNPLA2 (patatin like domain 2, triacylglycerol lipase; plus strand). Cytogenetic location: 11p15.5.
Variant type: single nucleotide variant.
Coding change: c.1409C>T on transcript NM_020376.4 (MANE Select); coding-DNA position 1409, C replaced by T.
Protein change: p.Ala470Val; replaces alanine 470 with valine.
Molecular consequence: missense variant.
Genome position (GRCh38, 1-based): chr11:824,756, C>T. VCF-style: chr11-824756-C-T. GRCh37 (hg19) VCF-style: chr11-824756-C-T.
Other names: short protein forms A470V.
Identifiers: ClinVar variation 945987 (VCV000945987.7), dbSNP rs771710752, ClinGen allele CA5791401.

ClinVar aggregate classification (germline): Uncertain significance (1 of 4 stars; one submission).

Conditions:
Neutral lipid storage myopathy (NLSDM). Also called: NEUTRAL LIPID STORAGE DISEASE WITHOUT ICHTHYOSIS. Identifiers: Orphanet 98908, MedGen C1853136, MONDO:0012545, OMIM 610717.

Allele frequency attached by ClinVar (database versions not stated): TOPMed 0.00002; ExAC 0.00003; gnomAD 0.00003; gnomAD exomes 0.00004.
gnomAD v4.1: 18 of 1,558,444 alleles (0.0012%); highest among the groups gnomAD compares: East Asian, 0.019%; no homozygotes.

Submission:

Labcorp Genetics (formerly Invitae), Labcorp
Classification: Uncertain significance for Neutral lipid storage myopathy. Last evaluated: 2022-09-13. Review status: criteria provided, single submitter. Criteria: Invitae Variant Classification Sherloc (09022015). Collection method: clinical testing. Allele origin: germline.
Comment: This sequence change replaces alanine, which is neutral and non-polar, with valine, which is neutral and non-polar, at codon 470 of the PNPLA2 protein (p.Ala470Val). This variant is present in population databases (rs771710752, gnomAD 0.04%). This variant has not been reported in the literature in individuals affected with PNPLA2-related conditions. ClinVar contains an entry for this variant (Variation ID: 945987). Algorithms developed to predict the effect of missense changes on protein structure and function (SIFT, PolyPhen-2, Align-GVGD) all suggest that this variant is likely to be tolerated. In summary, the available evidence is currently insufficient to determine the role of this variant in disease. Therefore, it has been classified as a Variant of Uncertain Significance.